The following is an entry in ClinVar:

ClinVar aggregate classification (germline): Pathogenic. Review status: reviewed by expert panel (3 of 4 stars). 19 submissions from 18 submitters: Pathogenic (1). 18 of the submissions do not count toward it. Last evaluated 2016-09-08.

Conditions:
Inherited ovarian cancer (without breast cancer).
Inherited breast cancer and ovarian cancer.
Breast and/or ovarian cancer. Identifiers: MedGen CN221562.
Hereditary cancer-predisposing syndrome. Also called: Hereditary Cancer Syndrome; Tumor predisposition; Neoplastic Syndromes, Hereditary; Hereditary neoplastic syndrome. Identifiers: Orphanet 140162, MedGen C0027672, MeSH D009386, MONDO:0015356.
Hereditary breast ovarian cancer syndrome. Also called: Hereditary breast and ovarian cancer syndrome; Hereditary breast and/or ovarian cancer syndrome; Hereditary breast and ovarian cancer syndrome (HBOC); Hereditary breast and ovarian cancer; Breast and ovarian cancer; BRCA1- and BRCA2-Associated Hereditary Breast and Ovarian Cancer. Identifiers: Orphanet 145, MedGen C0677776, MeSH D061325, MONDO:0003582. Disease mechanism: loss of function.
Breast-ovarian cancer, familial, susceptibility to, 2 (BROVCA2). Also called: BRCA2 Hereditary Breast and Ovarian Cancer. Identifiers: Orphanet 145, MedGen C2675520, MONDO:0012933, OMIM 612555. Disease mechanism: loss of function.
Familial cancer of breast. Also called: Hereditary breast cancer; hereditary breast carcinoma; BREAST CANCER, FAMILIAL. Identifiers: Orphanet 227535, MedGen C0346153, MONDO:0016419, OMIM 114480. Disease mechanism: loss of function.

Submissions 1 to 12 of 19:

Evidence-based Network for the Interpretation of Germline Mutant Alleles (ENIGMA)
Classification: Pathogenic for Breast-ovarian cancer, familial, susceptibility to, 2. Last evaluated: 2016-09-08. Review status: reviewed by expert panel. Criteria: ENIGMA BRCA1/2 Classification Criteria (2015). Collection method: curation. Allele origin: germline.
Comment: Variant allele predicted to encode a truncated non-functional protein.

Cambridge Genomics Laboratory, East Genomic Laboratory Hub, NHS Genomic Medicine Service
Classification: Pathogenic for Inherited breast cancer and ovarian cancer. Last evaluated: 2026-06-08. Review status: criteria provided, single submitter. Criteria: ACGS Best Practice Guidelines for Variant Classification in Rare Disease 2020. Collection method: clinical testing. Allele origin: germline. Affected: yes. Not counted in ClinVar's aggregate classification.
Comment: PVS1,PM2_Supporting,PM5_Strong

Cambridge Genomics Laboratory, East Genomic Laboratory Hub, NHS Genomic Medicine Service
Classification: Pathogenic for Inherited ovarian cancer (without breast cancer). Last evaluated: 2025-09-15. Review status: criteria provided, single submitter. Criteria: ACGS Best Practice Guidelines for Variant Classification in Rare Disease 2020. Collection method: clinical testing. Allele origin: germline. Affected: yes. Not counted in ClinVar's aggregate classification.
Comment: PVS1,PM2,PM5_Strong

Labcorp Genetics (formerly Invitae), Labcorp
Classification: Pathogenic for Hereditary breast ovarian cancer syndrome. Last evaluated: 2025-07-17. Review status: criteria provided, single submitter. Criteria: Invitae Variant Classification Sherloc (09022015). Collection method: clinical testing. Allele origin: germline. Not counted in ClinVar's aggregate classification.
Comment: This sequence change creates a premature translational stop signal (p.Tyr2215Thrfs*14) in the BRCA2 gene. It is expected to result in an absent or disrupted protein product. Loss-of-function variants in BRCA2 are known to be pathogenic (PMID: 20104584). This variant is present in population databases (rs749364793, gnomAD 0.0009%). This premature translational stop signal has been observed in individual(s) with hereditary breast and ovarian cancer and an individual affected with pancreatic adenocarcinoma (PMID: 15131399, 25940717). ClinVar contains an entry for this variant (Variation ID: 52145). For these reasons, this variant has been classified as Pathogenic.

Mayo Clinic Laboratories, Mayo Clinic
Classification: Pathogenic. Last evaluated: 2025-03-19. Review status: criteria provided, single submitter. Criteria: ACMG Guidelines, 2015. Collection method: clinical testing. Allele origin: germline. Observed: 1 variant allele. Not counted in ClinVar's aggregate classification.
Comment: PM5_strong, PVS1

Baylor Genetics
Classification: Pathogenic for Familial cancer of breast. Last evaluated: 2023-09-27. Review status: criteria provided, single submitter. Criteria: ACMG Guidelines, 2015. Collection method: clinical testing. Allele origin: unknown. Not counted in ClinVar's aggregate classification.

All of Us Research Program, National Institutes of Health
Classification: Pathogenic for Breast-ovarian cancer, familial, susceptibility to, 2. Last evaluated: 2023-08-15. Review status: criteria provided, single submitter. Criteria: ACMG Guidelines, 2015. Collection method: clinical testing. Allele origin: germline. Inheritance: Autosomal dominant inheritance. Observed: 1 variant allele, 1 heterozygote. Not counted in ClinVar's aggregate classification.
Comment: This variant deletes 1 nucleotide in exon 11 of the BRCA2 gene, creating a frameshift and premature translation stop signal. This variant is expected to result in an absent or non-functional protein product. This variant has been reported in individuals affected with breast, ovarian, or pancreatic cancer (PMID: 22711857, 25940717, 29337092, Color internal data), and in suspected hereditary breast and ovarian cancer families (PMID: 15131399, 29446198). This variant has been identified in 1/249382 chromosomes in the general population by the Genome Aggregation Database (gnomAD). Loss of BRCA2 function is a known mechanism of disease. Based on the available evidence, this variant is classified as Pathogenic.

This study involves interpretation of variants in research participants for the purpose of population health screening. Participant phenotype was not available at the time of variant classification. Additional details can be found in publication PMID: 35346344, PMCID: PMC8962531

Color Diagnostics, LLC DBA Color Health
Classification: Pathogenic for Hereditary cancer-predisposing syndrome. Last evaluated: 2023-06-07. Review status: criteria provided, single submitter. Criteria: ACMG Guidelines, 2015. Collection method: clinical testing. Allele origin: germline. Not counted in ClinVar's aggregate classification.
Comment: This variant deletes 1 nucleotide in exon 11 of the BRCA2 gene, creating a frameshift and premature translation stop signal. This variant is expected to result in an absent or non-functional protein product. This variant has been reported in individuals affected with breast, ovarian, or pancreatic cancer (PMID: 22711857, 25940717, 29337092, Color internal data), and in suspected hereditary breast and ovarian cancer families (PMID: 15131399, 29446198). This variant has been identified in 1/249382 chromosomes in the general population by the Genome Aggregation Database (gnomAD). Loss of BRCA2 function is a known mechanism of disease. Based on the available evidence, this variant is classified as Pathogenic.

Ambry Genetics
Classification: Pathogenic for Hereditary cancer-predisposing syndrome. Last evaluated: 2022-12-12. Review status: criteria provided, single submitter. Criteria: Ambry Variant Classification Scheme 2023. Collection method: clinical testing. Allele origin: germline. Not counted in ClinVar's aggregate classification.
Comment: The c.6643delT pathogenic mutation, located in coding exon 10 of the BRCA2 gene, results from a deletion of one nucleotide at nucleotide position 6643, causing a translational frameshift with a predicted alternate stop codon (p.Y2215Tfs*14). This mutation has been found in multiple families with hereditary breast, ovarian, and/or pancreatic cancer (Lubinski J et al. Fam. Cancer. 2004;3:1-10; Holter S et al. J. Clin. Oncol. 2015 Oct;33:3124-9; Copson ER et al. Lancet Oncol., 2018 02;19:169-180). Of note, this alteration is also designated as 6870delT in published literature. In addition to the clinical data presented in the literature, this alteration is expected to result in loss of function by premature protein truncation or nonsense-mediated mRNA decay. As such, this alteration is interpreted as a disease-causing mutation.

CHEO Genetics Diagnostic Laboratory, Children's Hospital of Eastern Ontario
Classification: Likely pathogenic for Breast and/or ovarian cancer. Last evaluated: 2021-07-06. Review status: criteria provided, single submitter. Criteria: ACMG Guidelines, 2015. Collection method: clinical testing. Allele origin: germline. Study: Canadian Open Genetics Repository. Not counted in ClinVar's aggregate classification.

Quest Diagnostics Nichols Institute San Juan Capistrano
Classification: Pathogenic. Last evaluated: 2019-05-15. Review status: criteria provided, single submitter. Criteria: Quest Diagnostics criteria. Collection method: clinical testing. Allele origin: germline. Not counted in ClinVar's aggregate classification.
Comment: The variant results in a shift of the reading frame, and is therefore predicted to result in the loss of a functional protein. Found in at least one symptomatic patient, and not found in general population data.

Women's Health and Genetics/Laboratory Corporation of America, LabCorp
Classification: Pathogenic for Hereditary breast and ovarian cancer syndrome. Last evaluated: 2018-09-17. Review status: criteria provided, single submitter. Criteria: LabCorp Variant Classification Summary - May 2015. Collection method: clinical testing. Allele origin: germline. Not counted in ClinVar's aggregate classification.
Comment: Variant summary: BRCA2 c.6643delT (p.Tyr2215ThrfsX14) results in a premature termination codon, predicted to cause a truncation of the encoded protein or absence of the protein due to nonsense mediated decay, which are commonly known mechanisms for disease. The variant allele was found at a frequency of 4.1e-06 in 244376 control chromosomes (gnomAD). c.6643delT has been reported in the literature in individuals affected with Hereditary Breast and Ovarian Cancer (Holter_2015, Lubinski_2004, Rebbeck_2018). These data indicate that the variant is likely to be associated with disease. To our knowledge, no experimental evidence demonstrating an impact on protein function has been reported. Five ClinVar submissions from clinical diagnostic laboratories (evaluation after 2014) cite the variant as pathogenic. Based on the evidence outlined above, the variant was classified as pathogenic.

NM_000059.4(BRCA2):c.6643del (p.Tyr2215fs)

Gene: BRCA2 (BRCA2 DNA repair associated; plus strand). Cytogenetic location: 13q13.1.
Variant type: Deletion.
Coding change: c.6643del on transcript NM_000059.4 (MANE Select); coding-DNA position 6643, one base deleted (T; older notation c.6643delT).
Protein change: p.Tyr2215fs; shifts the reading frame from tyrosine 2215.
Molecular consequence: frameshift variant.
Genome position (GRCh38, 1-based): chr13:32,340,998, T deleted; the last of 2 consecutive T bases (chr13:32,340,997-32,340,998); deleting either gives the same sequence. VCF-style (leftmost placement, unchanged base first): chr13-32340996-CT-C. GRCh37 (hg19) VCF-style: chr13-32915133-CT-C.
Other names: p.Tyr2215Thrfs*14; 6871delT; c.6643delT (NM_000059.3).
Identifiers: ClinVar variation 52145 (VCV000052145.35), dbSNP rs80359614, ClinGen allele CA024245.